The following is an entry in ClinVar:

ClinVar aggregate classification (germline): Uncertain significance (1 of 4 stars; one submission).

Allele frequency attached by ClinVar (database versions not stated): gnomAD 0.00001.
gnomAD v4.1: 8 of 1,614,070 alleles (0.0005%); highest among the groups gnomAD compares: East Asian, 0.0022%; no homozygotes.

Submission:

Labcorp Genetics (formerly Invitae), Labcorp
Classification: Uncertain significance. Last evaluated: 2024-02-17. Review status: criteria provided, single submitter. Criteria: Invitae Variant Classification Sherloc (09022015). Collection method: clinical testing. Allele origin: germline.
Comment: This sequence change replaces arginine, which is basic and polar, with tryptophan, which is neutral and slightly polar, at codon 611 of the RERE protein (p.Arg611Trp). This variant is present in population databases (rs751043542, gnomAD 0.005%). This variant has not been reported in the literature in individuals affected with RERE-related conditions. ClinVar contains an entry for this variant (Variation ID: 2084200). Advanced modeling of protein sequence and biophysical properties (such as structural, functional, and spatial information, amino acid conservation, physicochemical variation, residue mobility, and thermodynamic stability) has been performed at Invitae for this missense variant, however the output from this modeling did not meet the statistical confidence thresholds required to predict the impact of this variant on RERE protein function. In summary, the available evidence is currently insufficient to determine the role of this variant in disease. Therefore, it has been classified as a Variant of Uncertain Significance.

NM_001042681.2(RERE):c.1831C>T (p.Arg611Trp)

Gene: RERE (arginine-glutamic acid dipeptide repeats; minus strand). Cytogenetic location: 1p36.23.
Variant type: single nucleotide variant.
Coding change: c.1831C>T on transcript NM_001042681.2 (MANE Select); coding-DNA position 1831, C replaced by T.
Protein change: p.Arg611Trp; replaces arginine 611 with tryptophan.
Molecular consequence: missense variant.
Genome position (GRCh38, 1-based): chr1:8,362,754, G>A on the plus strand (C>T on the coding strand, the complement: RERE is on the minus strand). VCF-style: chr1-8362754-G-A. GRCh37 (hg19) VCF-style: chr1-8422814-G-A.
Other names: c.169C>T, p.Arg57Trp (NM_001042682.2); c.1831C>T, p.Arg611Trp (NM_012102.4); short protein forms R57W, R611W.
Identifiers: ClinVar variation 2084200 (VCV002084200.4), dbSNP rs751043542, ClinGen allele CA571534.